The following is an entry in ClinVar:

NM_005422.4(TECTA):c.1627C>T (p.Pro543Ser)

Genes: TBCEL-TECTA (TBCEL-TECTA readthrough; plus strand), TECTA (tectorin alpha; plus strand). Cytogenetic location: 11q23.3.
Variant type: single nucleotide variant.
Coding change: c.1627C>T on transcript NM_005422.4 (MANE Select); coding-DNA position 1627, C replaced by T.
Protein change: p.Pro543Ser; replaces proline 543 with serine.
Molecular consequence: missense variant.
Genome position (GRCh38, 1-based): chr11:121,125,725, C>T. VCF-style: chr11-121125725-C-T. GRCh37 (hg19) VCF-style: chr11-120996434-C-T.
Other names: c.2584C>T, p.Pro862Ser (NM_001378761.1); short protein forms P862S, P543S.
Identifiers: ClinVar variation 4980138 (VCV004980138.1).

ClinVar aggregate classification (germline): Uncertain significance (1 of 4 stars; one submission).

Conditions:
TECTA-related disorder. Also called: TECTA-related condition.

gnomAD v4.1: 4 of 1,613,260 alleles (0.00025%); highest among the groups gnomAD compares: African/African-American, 0.004%; no homozygotes.

Submission:

PreventionGenetics, part of Exact Sciences
Classification: Uncertain significance for TECTA-related condition. Last evaluated: 2025-05-12. Review status: criteria provided, single submitter. Criteria: ACMG Guidelines, 2015. Collection method: clinical testing. Allele origin: germline.
Comment: The TECTA c.1627C>T variant is predicted to result in the amino acid substitution p.Pro543Ser. To our knowledge, this variant has not been reported in the literature or in a large population database (gnomAD), indicating this variant is rare. At this time, the clinical significance of this variant is uncertain due to the absence of conclusive functional and genetic evidence.